The following is an entry in ClinVar:

NM_145868.2(ANXA11):c.102G>A (p.Met34Ile)

Gene: ANXA11 (annexin A11; minus strand). Cytogenetic location: 10q22.3.
Variant type: single nucleotide variant.
Coding change: c.102G>A on transcript NM_145868.2 (MANE Select); coding-DNA position 102, G replaced by A.
Protein change: p.Met34Ile; replaces methionine 34 with isoleucine.
Molecular consequence: missense variant. On other transcripts: initiator codon variant (1).
Genome position (GRCh38, 1-based): chr10:80,170,869, C>T on the plus strand (G>A on the coding strand, the complement: ANXA11 is on the minus strand). VCF-style: chr10-80170869-C-T. GRCh37 (hg19) VCF-style: chr10-81930625-C-T.
Other names: c.102G>A, p.Met34Ile (NM_001157.3, NM_001278407.2, NM_001278408.2 and 1 more transcripts); c.3G>A, p.Met1Ile (NM_001278409.2); short protein forms M1I, M34I.
Identifiers: ClinVar variation 1523076 (VCV001523076.6), dbSNP rs775371260, ClinGen allele CA5576388.
Genomic context (GRCh38, chr10:80,170,869, plus strand): 5'-GAGATAGTCCTGGTTGAACTGCCCCGCATAGGTGGCCACGTTATCCAGCCCGATGGGGGG[C>T]ATGCTGGGCGGAGGAGGGTAGGCAGCACCTCCCCAGGGACCACCACCTGAAAGCAACACC-3'
Protein context (NP_665875.1, residues 24-44): GGAAYPPPPS[Met34Ile]PPIGLDNVAT

ClinVar aggregate classification (germline): Uncertain significance (1 of 4 stars; one submission).

Allele frequency attached by ClinVar (database versions not stated): ExAC 0.00003; gnomAD 0.00003 and 0.00004; gnomAD exomes 0.00003; TOPMed 0.00004.
gnomAD v4.1: 115 of 1,551,650 alleles (0.0074%); highest among the groups gnomAD compares: Non-Finnish European, 0.0098%; no homozygotes.

Submission:

Labcorp Genetics (formerly Invitae), Labcorp
Classification: Uncertain significance. Last evaluated: 2025-01-06. Review status: criteria provided, single submitter. Criteria: Invitae Variant Classification Sherloc (09022015). Collection method: clinical testing. Allele origin: germline.
Comment: This sequence change replaces methionine, which is neutral and non-polar, with isoleucine, which is neutral and non-polar, at codon 34 of the ANXA11 protein (p.Met34Ile). The frequency data for this variant in the population databases is considered unreliable, as metrics indicate poor data quality at this position in the gnomAD database. This missense change has been observed in individual(s) with amyotrophic lateral sclerosis (PMID: 35896380). ClinVar contains an entry for this variant (Variation ID: 1523076). Experimental studies and prediction algorithms are not available or were not evaluated, and the functional significance of this variant is currently unknown. In summary, the available evidence is currently insufficient to determine the role of this variant in disease. Therefore, it has been classified as a Variant of Uncertain Significance.

Literature cited by the submitters: PubMed 35896380.